The following is an entry in ClinVar:

ClinVar aggregate classification (germline): Uncertain significance (1 of 4 stars; one submission).

Allele frequency attached by ClinVar (database versions not stated): TOPMed 0.00001.
gnomAD v4.1: 1 of 1,614,018 alleles (0.000062%); highest among the groups gnomAD compares: Non-Finnish European, 0.000085%; no homozygotes.

Submission:

Women's Health and Genetics/Laboratory Corporation of America, LabCorp
Classification: Uncertain significance. Last evaluated: 2024-08-14. Review status: criteria provided, single submitter. Criteria: LabCorp Variant Classification Summary - May 2015. Collection method: clinical testing. Allele origin: germline.
Comment: Variant summary: HEXA c.20G>C (p.Trp7Ser) results in a non-conservative amino acid change in the encoded protein sequence. Four of five in-silico tools predict a benign effect of the variant on protein function. The variant was absent in 250670 control chromosomes. The available data on variant occurrences in the general population are insufficient to allow any conclusion about variant significance. To our knowledge, no occurrence of c.20G>C in individuals affected with Tay-Sachs Disease and no experimental evidence demonstrating its impact on protein function have been reported. No submitters have cited clinical-significance assessments for this variant to ClinVar. Based on the evidence outlined above, the variant was classified as uncertain significance.

NM_000520.6(HEXA):c.20G>C (p.Trp7Ser)

Gene: HEXA (hexosaminidase subunit alpha; minus strand). Cytogenetic location: 15q23.
Variant type: single nucleotide variant.
Coding change: c.20G>C on transcript NM_000520.6 (MANE Select); coding-DNA position 20, G replaced by C.
Protein change: p.Trp7Ser; replaces tryptophan 7 with serine.
Molecular consequence: missense variant. On other transcripts: non-coding transcript variant (1).
Genome position (GRCh38, 1-based): chr15:72,375,953, C>G on the plus strand (G>C on the coding strand, the complement: HEXA is on the minus strand). VCF-style: chr15-72375953-C-G. GRCh37 (hg19) VCF-style: chr15-72668294-C-G.
Other names: c.20G>C, p.Trp7Ser (NM_001318825.2); short protein forms W7S.
Identifiers: ClinVar variation 3251554 (VCV003251554.2), dbSNP rs751546658.